The following is an entry in ClinVar:

NM_004446.3(EPRS1):c.2405G>T (p.Gly802Val)

Gene: EPRS1 (glutamyl-prolyl-tRNA synthetase 1; minus strand). Cytogenetic location: 1q41.
Variant type: single nucleotide variant.
Coding change: c.2405G>T on transcript NM_004446.3 (MANE Select); coding-DNA position 2405, G replaced by T.
Protein change: p.Gly802Val; replaces glycine 802 with valine.
Molecular consequence: missense variant.
Genome position (GRCh38, 1-based): chr1:219,997,119, C>A on the plus strand (G>T on the coding strand, the complement: EPRS1 is on the minus strand). VCF-style: chr1-219997119-C-A. GRCh37 (hg19) VCF-style: chr1-220170461-C-A.
Other names: short protein forms G802V.
Identifiers: ClinVar variation 1680949 (VCV001680949.6), dbSNP rs909791073, ClinGen allele CA344646958.

ClinVar aggregate classification (germline): Uncertain significance (1 of 4 stars; one submission).

Submission:

Labcorp Genetics (formerly Invitae), Labcorp
Classification: Uncertain significance. Last evaluated: 2022-07-06. Review status: criteria provided, single submitter. Criteria: Invitae Variant Classification Sherloc (09022015). Collection method: clinical testing. Allele origin: germline.
Comment: This sequence change replaces glycine, which is neutral and non-polar, with valine, which is neutral and non-polar, at codon 802 of the EPRS protein (p.Gly802Val). This variant is not present in population databases (gnomAD no frequency). This variant has not been reported in the literature in individuals affected with EPRS-related conditions. ClinVar contains an entry for this variant (Variation ID: 1680949). Algorithms developed to predict the effect of missense changes on protein structure and function are either unavailable or do not agree on the potential impact of this missense change (SIFT: "Deleterious"; PolyPhen-2: "Benign"; Align-GVGD: "Class C0"). In summary, the available evidence is currently insufficient to determine the role of this variant in disease. Therefore, it has been classified as a Variant of Uncertain Significance.